The following is an entry in ClinVar:

ClinVar aggregate classification (germline): Uncertain significance (3 of 4 stars; one submission).

Conditions:
Very long chain acyl-CoA dehydrogenase deficiency (ACADVLD). Also called: Very Long-Chain Acyl-Coenzyme A Dehydrogenase Deficiency; VLCAD Deficiency. Identifiers: Orphanet 26793, MedGen C3887523, MONDO:0008723, OMIM 201475.

Allele frequency attached by ClinVar (database versions not stated): TOPMed below 0.00001.

Submissions (7):

ClinGen ACADVL Variant Curation Expert Panel, ClinGen
Classification: Uncertain significance for Very long chain acyl-CoA dehydrogenase deficiency. Last evaluated: 2023-06-27. Review status: reviewed by expert panel. Criteria: clingen acadvl acmg specifications v1. Collection method: curation. Allele origin: germline.
Comment: The c.1332+2T>A variant in ACADVL occurs within the canonical splice donor site (+2) of intron 13. It is predicted to cause skipping of biologically-relevant-exon 13/20, resulting in an in-frame deletion (removes amino acids Glu-Lys) that is predicted to escape nonsense mediated decay (PVS1_Moderate; PMIDs 9973285, 11590124). This variant is absent from gnomAD v2.1.1 (PM2_Supporting). At least one patient with this variant displayed enzyme levels (1% of healthy controls) which is highly specific for VLCAD deficiency (PP4_Moderate, PMIDs 30194637). Due to conflicting evidence, this variant is classified as a variant of uncertain significance for autosomal recessive very long chain acyl-CoA dehydrogenase (VLCAD) deficiency based on the ACMG/AMP criteria applied, as specified by the ClinGen ACADVL Variant Curation Expert Panel: PVS1_Moderate, PM2-Supporting, PP4-Moderate.

Dr. Peter K. Rogan Lab, Western University
No classification provided (evidence only). Condition: Ovarian serous cystadenocarcinoma. Review status: no classification provided. Collection method: in vitro. Allele origin: not applicable. Functional consequence: retained intron. Not counted in ClinVar's aggregate classification.

Dr. Peter K. Rogan Lab, Western University
No classification provided (evidence only). Condition: Ovarian serous cystadenocarcinoma. Review status: no classification provided. Collection method: in vitro. Allele origin: not applicable. Functional consequence: retained intron. Not counted in ClinVar's aggregate classification.

Dr. Peter K. Rogan Lab, Western University
No classification provided (evidence only). Condition: Ovarian serous cystadenocarcinoma. Review status: no classification provided. Collection method: in vitro. Allele origin: not applicable. Functional consequence: retained intron. Not counted in ClinVar's aggregate classification.

Dr. Peter K. Rogan Lab, Western University
No classification provided (evidence only). Condition: Ovarian serous cystadenocarcinoma. Review status: no classification provided. Collection method: in vitro. Allele origin: not applicable. Functional consequence: retained intron. Not counted in ClinVar's aggregate classification.

Dr. Peter K. Rogan Lab, Western University
No classification provided (evidence only). Condition: Ovarian serous cystadenocarcinoma. Review status: no classification provided. Collection method: in vitro. Allele origin: not applicable. Functional consequence: retained intron. Not counted in ClinVar's aggregate classification.

Dr. Peter K. Rogan Lab, Western University
No classification provided (evidence only). Condition: Ovarian serous cystadenocarcinoma. Review status: no classification provided. Collection method: in vitro. Allele origin: not applicable. Functional consequence: retained intron. Not counted in ClinVar's aggregate classification.

NM_000018.4(ACADVL):c.1332+2T>A

Gene: ACADVL (acyl-CoA dehydrogenase very long chain; plus strand). Cytogenetic location: 17p13.1.
Variant type: single nucleotide variant.
Coding change: c.1332+2T>A on transcript NM_000018.4 (MANE Select); the canonical splice donor site of the intron after coding-DNA position 1332, T replaced by A.
Molecular consequence: splice donor variant.
Genome position (GRCh38, 1-based): chr17:7,223,877, T>A. VCF-style: chr17-7223877-T-A. GRCh37 (hg19) VCF-style: chr17-7127196-T-A.
Other names: NM_001270448.2:c.1104+2T>A; NC_000017.10:g.7127196T>A; c.1401+2T>A (NM_001270447.2); c.1104+2T>A (NM_001270448.2); c.1266+2T>A (NM_001033859.3).
Identifiers: ClinVar variation 2507419 (VCV002507419.2), dbSNP rs1398874051, ClinGen allele CA397724894.